The following is an entry in ClinVar:

NM_030662.4(MAP2K2):c.907C>T (p.Arg303Cys)

Gene: MAP2K2 (mitogen-activated protein kinase kinase 2; minus strand). Cytogenetic location: 19p13.3.
Variant type: single nucleotide variant.
Coding change: c.907C>T on transcript NM_030662.4 (MANE Select); coding-DNA position 907, C replaced by T.
Protein change: p.Arg303Cys; replaces arginine 303 with cysteine.
Molecular consequence: missense variant.
Genome position (GRCh38, 1-based): chr19:4,099,213, G>A on the plus strand (C>T on the coding strand, the complement: MAP2K2 is on the minus strand). VCF-style: chr19-4099213-G-A. GRCh37 (hg19) VCF-style: chr19-4099211-G-A.
Other names: short protein forms R303C.
Identifiers: ClinVar variation 1334259 (VCV001334259.13), dbSNP rs770521279, ClinGen allele CA9090798.
Genomic context (GRCh38, chr19:4,099,213, plus strand): 5'-CGCAGGGCACTGCGCGTCCAGACCGGAAGTTGCAGATTCAGGCCGTACCGCTGACGGGGC[G>A]CCCGGGGGGCCTCGGCCGAGGCGAGATGCTGTGAGGCTCTCCTTCTTCCCCGTCGACCAC-3'
Protein context (NP_109587.1, residues 293-313): SISPRPRPPG[Arg303Cys]PVSGHGMDSR

ClinVar aggregate classification (germline): Uncertain significance. Review status: criteria provided, multiple submitters, no conflicts (2 of 4 stars). 4 submissions from 4 submitters: Uncertain significance (4). Last evaluated 2025-08-11.

Conditions:
RASopathy. Also called: rasopathies; Noonan spectrum disorder. Identifiers: Orphanet 536391, MedGen C5555857, MONDO:0021060.
Noonan syndrome and Noonan-related syndrome. Identifiers: Orphanet 98733, MedGen C5681679, MONDO:0020297.
Cardiovascular phenotype. Identifiers: MedGen CN230736.
Cardiofaciocutaneous syndrome 4 (CFC4). Also called: MAP2K2-Related Cardiofaciocutaneous Syndrome. Identifiers: Orphanet 1340, MedGen C3809007, MONDO:0014114, OMIM 615280.

Allele frequency attached by ClinVar (database versions not stated): 1000 Genomes Project 30x 0.00016; gnomAD exomes below 0.00001; TOPMed 0.00002; ExAC 0.00001; gnomAD 0.00001.
gnomAD v4.1: 27 of 1,602,718 alleles (0.0017%); highest among the groups gnomAD compares: Middle Eastern, 0.017%; no homozygotes.

Submissions (4):

Ambry Genetics
Classification: Uncertain significance for Cardiovascular phenotype. Last evaluated: 2025-08-11. Review status: criteria provided, single submitter. Criteria: Ambry Variant Classification Scheme 2023. Collection method: clinical testing. Allele origin: germline.

Genomic Medicine Center of Excellence, King Faisal Specialist Hospital and Research Centre
Classification: Uncertain significance for Cardiofaciocutaneous syndrome 4. Last evaluated: 2024-04-04. Review status: criteria provided, single submitter. Criteria: ACMG Guidelines, 2015. Collection method: clinical testing. Allele origin: germline.

Labcorp Genetics (formerly Invitae), Labcorp
Classification: Uncertain significance for RASopathy. Last evaluated: 2021-08-05. Review status: criteria provided, single submitter. Criteria: Invitae Variant Classification Sherloc (09022015). Collection method: clinical testing. Allele origin: germline.
Comment: This sequence change replaces arginine with cysteine at codon 303 of the MAP2K2 protein (p.Arg303Cys). The arginine residue is moderately conserved and there is a large physicochemical difference between arginine and cysteine. This variant is present in population databases (rs770521279, ExAC 0.008%). This variant has not been reported in the literature in individuals with MAP2K2-related conditions. Algorithms developed to predict the effect of missense changes on protein structure and function are either unavailable or do not agree on the potential impact of this missense change (SIFT: "Deleterious"; PolyPhen-2: "Possibly Damaging"; Align-GVGD: "Class C0"). Algorithms developed to predict the effect of sequence changes on RNA splicing suggest that this variant may create or strengthen a splice site, but this prediction has not been confirmed by published transcriptional studies. In summary, the available evidence is currently insufficient to determine the role of this variant in disease. Therefore, it has been classified as a Variant of Uncertain Significance.

Genome Diagnostics Laboratory, The Hospital for Sick Children
Classification: Uncertain significance for Noonan syndrome and Noonan-related syndrome. Last evaluated: 2016-12-12. Review status: criteria provided, single submitter. Criteria: ACMG Guidelines, 2015. Collection method: clinical testing. Allele origin: germline.